The following is an entry in ClinVar:

NM_001162498.3(LPAR6):c.830T>C (p.Leu277Pro)

Genes: LPAR6 (lysophosphatidic acid receptor 6; minus strand), RB1 (RB transcriptional corepressor 1; plus strand). Cytogenetic location: 13q14.2.
Variant type: single nucleotide variant.
Coding change: c.830T>C on transcript NM_001162498.3 (MANE Select); coding-DNA position 830, T replaced by C.
Protein change: p.Leu277Pro; replaces leucine 277 with proline.
Molecular consequence: missense variant. On other transcripts: intron variant (2).
Genome position (GRCh38, 1-based): chr13:48,411,594, A>G on the plus strand (T>C on the coding strand, the complement: LPAR6 is on the minus strand). VCF-style: chr13-48411594-A-G. GRCh37 (hg19) VCF-style: chr13-48985730-A-G.
Other names: c.830T>C, p.Leu277Pro (NM_001162497.3, NM_001377316.2, NM_001377317.2 and 1 more transcripts); c.1695+30151A>G (NM_001407165.1, NM_000321.3); short protein forms L277P.
Identifiers: ClinVar variation 2505341 (VCV002505341.1), dbSNP rs2542255397, ClinGen allele CA388157734.

ClinVar aggregate classification (germline): Likely pathogenic (1 of 4 stars; one submission).

Conditions:
Hypotrichosis 8 (HYPT8). Also called: HYPOTRICHOSIS, LOCALIZED, AUTOSOMAL RECESSIVE 3. Identifiers: Orphanet 55654, MedGen C3279470, MONDO:0010206, OMIM 278150.

Submission:

SIB Swiss Institute of Bioinformatics
Classification: Likely pathogenic for Hypotrichosis 8. Review status: criteria provided, single submitter. Criteria: ACMG Guidelines, 2015. Collection method: curation. Allele origin: unknown.
Comment: This variant is interpreted as likely pathogenic for Hypotrichosis 8, autosomal recessive. The following ACMG Tag(s) were applied: Absent from controls (or at extremely low frequency if recessive) in Exome Sequencing Project, 1000 Genomes Project, or Exome Aggregation Consortium (PM2); Cosegregation with disease in multiple affected family members in a gene definitively known to cause the disease (PP1 upgraded to strong); For recessive disorders, detected in trans with a pathogenic variant (PM3 downgraded to supporting); Well-established functional studies show a deleterious effect (PS3 downgraded to supporting); Multiple lines of computational evidence support a deleterious effect on the gene or gene product (PP3).

Literature cited by the submitters: PubMed 19292720; PubMed 36173926.